The following is an entry in ClinVar:

ClinVar aggregate classification (germline): Likely benign. Review status: criteria provided, multiple submitters, no conflicts (2 of 4 stars). 2 submissions from 2 submitters: Likely benign (2). Last evaluated 2026-02-01.

Conditions:
Hypertrophic cardiomyopathy. Also called: HYPERTROPHIC MYOCARDIOPATHY. Identifiers: Orphanet 217569, MedGen C0007194, MeSH D002312, MONDO:0005045, HP:0001639.

Submissions (2):

Labcorp Genetics (formerly Invitae), Labcorp
Classification: Likely benign for Hypertrophic cardiomyopathy. Last evaluated: 2026-02-01. Review status: criteria provided, single submitter. Criteria: Invitae Variant Classification Sherloc (09022015). Collection method: clinical testing. Allele origin: germline.

CeGaT Center for Human Genetics Tuebingen
Classification: Likely benign. Last evaluated: 2025-08-01. Review status: criteria provided, single submitter. Criteria: CeGaT Center For Human Genetics Tuebingen Variant Classification Criteria Version 2. Collection method: clinical testing. Allele origin: germline. Affected: yes. Observed: 1 variant allele.
Comment: MYOM1: BP4, BS1

NM_003803.4(MYOM1):c.1900+6_1900+8del

Gene: MYOM1 (myomesin 1; minus strand). Cytogenetic location: 18p11.31.
Variant type: Microsatellite.
Coding change: c.1900+6_1900+8del on transcript NM_003803.4 (MANE Select); bases 6 to 8 of the intron after coding-DNA position 1900, 3 bases deleted (AAG; older notation c.1900+6_1900+8delAAG).
Molecular consequence: intron variant.
Genome position (GRCh38, 1-based): chr18:3,149,137-3,149,139, CTT deleted on the plus strand (AAG on the coding strand, the reverse complement: MYOM1 is on the minus strand); deleting any 3 consecutive bases within chr18:3,149,137-3,149,142 gives the same sequence; the c. name uses the placement nearest the transcript's 3' end. VCF-style (leftmost placement, unchanged base first): chr18-3149136-ACTT-A. GRCh37 (hg19) VCF-style: chr18-3149134-ACTT-A.
Other names: c.1900+6_1900+8delAAG (NM_003803.3); c.1900+6_1900+8del (NM_019856.2).
Identifiers: ClinVar variation 454433 (VCV000454433.19), dbSNP rs754148244, ClinGen allele CA8874814.
Genomic context (GRCh38, chr18:3,149,136, plus strand): 5'-CTCCACAACAAAAGGCAAACTGCTTAGCAAAACATCAGCAATAGTATCTGGGGCAACCAG[ACTT>A]CTTACCTGAAGGTTCCTCTTCAGTAACAATGATCTGTCCAGTCCAGGGTGCTGAGGGGCG-3'